The following is an entry in ClinVar:

ClinVar aggregate classification (germline): Conflicting classifications of pathogenicity. Review status: criteria provided, conflicting classifications (1 of 4 stars). 3 submissions from 3 submitters: Uncertain significance (2); Likely benign (1). Last evaluated 2024-12-20.

Conditions:
RASopathy. Also called: rasopathies; Noonan spectrum disorder. Identifiers: Orphanet 536391, MedGen C5555857, MONDO:0021060.
Cardiovascular phenotype. Identifiers: MedGen CN230736.

Allele frequency attached by ClinVar (database versions not stated): TOPMed below 0.00001; gnomAD 0.00001; gnomAD exomes 0.00001; ExAC 0.00002.

Submissions (3):

Labcorp Genetics (formerly Invitae), Labcorp
Classification: Likely benign for RASopathy. Last evaluated: 2024-12-20. Review status: criteria provided, single submitter. Criteria: Invitae Variant Classification Sherloc (09022015). Collection method: clinical testing. Allele origin: germline.

Ambry Genetics
Classification: Uncertain significance for Cardiovascular phenotype. Last evaluated: 2023-07-27. Review status: criteria provided, single submitter. Criteria: Ambry Variant Classification Scheme 2023. Collection method: clinical testing. Allele origin: germline.
Comment: The p.K1241R variant (also known as c.3722A>G), located in coding exon 23 of the SOS1 gene, results from an A to G substitution at nucleotide position 3722. The lysine at codon 1241 is replaced by arginine, an amino acid with highly similar properties. This amino acid position is conserved. In addition, this alteration is predicted to be tolerated by in silico analysis. Since supporting evidence is limited at this time, the clinical significance of this alteration remains unclear.

GeneDx
Classification: Uncertain significance. Last evaluated: 2022-10-14. Review status: criteria provided, single submitter. Criteria: GeneDx Variant Classification Process June 2021. Collection method: clinical testing. Allele origin: germline. Affected: yes.
Comment: Missense variants in this gene are often considered pathogenic (HGMD); In silico analysis supports that this missense variant does not alter protein structure/function; Has not been previously published as pathogenic or benign to our knowledge

NM_005633.4(SOS1):c.3722A>G (p.Lys1241Arg)

Gene: SOS1 (SOS Ras/Rac guanine nucleotide exchange factor 1; minus strand). Cytogenetic location: 2p22.1.
Variant type: single nucleotide variant.
Coding change: c.3722A>G on transcript NM_005633.4 (MANE Select); coding-DNA position 3722, A replaced by G.
Protein change: p.Lys1241Arg; replaces lysine 1241 with arginine.
Molecular consequence: missense variant.
Genome position (GRCh38, 1-based): chr2:38,986,104, T>C on the plus strand (A>G on the coding strand, the complement: SOS1 is on the minus strand). VCF-style: chr2-38986104-T-C. GRCh37 (hg19) VCF-style: chr2-39213245-T-C.
Other names: c.3701A>G, p.Lys1234Arg (NM_001382394.1); c.3677A>G, p.Lys1226Arg (NM_001382395.1); short protein forms K1226R, K1234R, K1241R.
Identifiers: ClinVar variation 2499374 (VCV002499374.6), dbSNP rs750433247, ClinGen allele CA1624121.